The following is an entry in ClinVar:

ClinVar aggregate classification (germline): Pathogenic. Review status: criteria provided, multiple submitters, no conflicts (2 of 4 stars). 7 submissions from 7 submitters: Pathogenic (6). 1 of the submissions does not count toward it. Last evaluated 2024-11-11.

Conditions:
CPLANE1-related disorders.
Orofaciodigital syndrome type 6 (OFD6). Also called: Central polydactyly cleft lip/palate or lingual lump and psychomotor retardation; Y-shaped central metacarpal and cerebellar defect; Joubert syndrome with orofacialdigital anomalies; OROFACIODIGITAL SYNDROME VI; OFDS VI; POLYDACTYLY, CLEFT LIP/PALATE OR LINGUAL LUMP, AND PSYCHOMOTOR RETARDATION. Identifiers: Orphanet 2754, MedGen C2745997, MONDO:0010176, OMIM 277170.
Joubert syndrome 17 (JBTS17). Identifiers: Orphanet 475, MedGen C3553264, MONDO:0013824, OMIM 614615.

Allele frequency attached by ClinVar (database versions not stated): ExAC 0.00002; TOPMed 0.00006.
gnomAD v4.1: 27 of 1,613,858 alleles (0.0017%); highest among the groups gnomAD compares: African/African-American, 0.004%; no homozygotes.

Submissions (7):

Labcorp Genetics (formerly Invitae), Labcorp
Classification: Pathogenic. Last evaluated: 2024-11-11. Review status: criteria provided, single submitter. Criteria: Invitae Variant Classification Sherloc (09022015). Collection method: clinical testing. Allele origin: germline.
Comment: This sequence change replaces alanine, which is neutral and non-polar, with valine, which is neutral and non-polar, at codon 1200 of the CPLANE1 protein (p.Ala1200Val). This variant is present in population databases (rs141153181, gnomAD 0.005%). This missense change has been observed in individual(s) with ciliopathy disorders (PMID: 24091540, 25407461, 27081551, 29605658). In at least one individual the data is consistent with being in trans (on the opposite chromosome) from a pathogenic variant. It has also been observed to segregate with disease in related individuals. ClinVar contains an entry for this variant (Variation ID: 217591). Invitae Evidence Modeling of protein sequence and biophysical properties (such as structural, functional, and spatial information, amino acid conservation, physicochemical variation, residue mobility, and thermodynamic stability) has been performed for this missense variant. However, the output from this modeling did not meet the statistical confidence thresholds required to predict the impact of this variant on CPLANE1 protein function. For these reasons, this variant has been classified as Pathogenic.

SIB Swiss Institute of Bioinformatics
Classification: Pathogenic for Orofaciodigital syndrome type 6. Last evaluated: 2024-05-14. Review status: criteria provided, single submitter. Criteria: ACMG Guidelines, 2015. Collection method: curation. Allele origin: unknown. Inheritance: Autosomal recessive inheritance.
Comment: This variant is interpreted as pathogenic for Joubert syndrome with orofaciodigital defect (orofaciodigital syndrome 6). The following ACMG Tag(s) were applied: Absent from controls (or at extremely low frequency if recessive) in Exome Sequencing Project, 1000 Genomes Project, or Exome Aggregation Consortium (PM2_supporting). Cosegregation with disease in multiple affected family members (PP1_supporting; PMID: 29605658). For recessive disorders, detected in trans with a pathogenic variant (PM3_very strong; PMID: 25407461, 27081551, 29605658, 35582950, 24091540, 29955609).

Fulgent Genetics
Classification: Pathogenic for Orofaciodigital syndrome type 6; Joubert syndrome 17. Last evaluated: 2024-03-21. Review status: criteria provided, single submitter. Criteria: ACMG Guidelines, 2015. Collection method: clinical testing. Allele origin: germline.

GeneDx
Classification: Pathogenic. Last evaluated: 2022-09-08. Review status: criteria provided, single submitter. Criteria: GeneDx Variant Classification Process June 2021. Collection method: clinical testing. Allele origin: germline. Affected: yes.
Comment: Not observed at significant frequency in large population cohorts (gnomAD); In silico analysis supports that this missense variant has a deleterious effect on protein structure/function; This variant is associated with the following publications: (PMID: 25846457, 27434533, 28431631, 25407461, 27081551, 29955609, 31965297, 29605658, 32047782, 35582950, 24091540, 26092869)

Blueprint Genetics
Classification: Pathogenic for CPLANE1-related disorders. Last evaluated: 2019-08-15. Review status: criteria provided, single submitter. Criteria: ACMG Guidelines, 2015. Collection method: clinical testing. Allele origin: germline. Affected: yes. Observed: 1 variant allele.

UW Hindbrain Malformation Research Program, University of Washington
Classification: Pathogenic for Joubert syndrome 17. Last evaluated: 2015-02-23. Review status: criteria provided, single submitter. Criteria: Bachmann-Gagescu et al. (J Med Genet. 2015). Collection method: research. Allele origin: unknown. Affected: yes.

Department of Pediatrics, Taizhou Central Hospital, Taizhou University Hospital
Classification: Pathogenic for Orofaciodigital syndrome type 6. Last evaluated: 2024-02-01. Review status: no assertion criteria provided. Collection method: clinical testing. Allele origin: maternal. Affected: yes. Observed: 1 variant allele. Not counted in ClinVar's aggregate classification.

Literature cited by the submitters: PubMed 24091540 (cited by Labcorp Genetics (formerly Invitae), Labcorp and SIB Swiss Institute of Bioinformatics); PubMed 25407461 (cited by Labcorp Genetics (formerly Invitae), Labcorp and SIB Swiss Institute of Bioinformatics); PubMed 27081551 (cited by Labcorp Genetics (formerly Invitae), Labcorp and SIB Swiss Institute of Bioinformatics); PubMed 29605658 (cited by Labcorp Genetics (formerly Invitae), Labcorp and SIB Swiss Institute of Bioinformatics); PubMed 35582950 (cited by SIB Swiss Institute of Bioinformatics); PubMed 29955609 (cited by SIB Swiss Institute of Bioinformatics).

NM_001384732.1(CPLANE1):c.3599C>T (p.Ala1200Val)

Gene: CPLANE1 (ciliogenesis and planar polarity effector complex subunit 1; minus strand). Cytogenetic location: 5p13.2.
Variant type: single nucleotide variant.
Coding change: c.3599C>T on transcript NM_001384732.1 (MANE Select); coding-DNA position 3599, C replaced by T.
Protein change: p.Ala1200Val; replaces alanine 1200 with valine.
Molecular consequence: missense variant.
Genome position (GRCh38, 1-based): chr5:37,198,775, G>A on the plus strand (C>T on the coding strand, the complement: CPLANE1 is on the minus strand). VCF-style: chr5-37198775-G-A. GRCh37 (hg19) VCF-style: chr5-37198877-G-A.
Other names: NM_023073.3(C5orf42):c.3599C>T(p.Ala1200Val); c.3599C>T, p.Ala1200Val (NM_023073.4); short protein forms A1200V.
Identifiers: ClinVar variation 217591 (VCV000217591.18), dbSNP rs141153181, ClinGen allele CA277732.